The following is an entry in ClinVar:

NM_000439.5(PCSK1):c.1650T>C (p.Asn550=)

Genes: CAST (calpastatin; plus strand), PCSK1 (proprotein convertase subtilisin/kexin type 1; minus strand), LOC101929710 (uncharacterized LOC101929710; plus strand). Cytogenetic location: 5q15.
Variant type: single nucleotide variant.
Coding change: c.1650T>C on transcript NM_000439.5 (MANE Select); coding-DNA position 1650, T replaced by C.
Protein change: p.Asn550=; no amino-acid change (asparagine 550 retained).
Molecular consequence: synonymous variant.
Genome position (GRCh38, 1-based): chr5:96,397,408, A>G on the plus strand (T>C on the coding strand, the complement: PCSK1 is on the minus strand). VCF-style: chr5-96397408-A-G. GRCh37 (hg19) VCF-style: chr5-95733112-A-G.
Other names: p.Asn550=; c.1509T>C, p.Asn503= (NM_001177875.2).
Identifiers: ClinVar variation 354643 (VCV000354643.21), dbSNP rs6233, ClinGen allele CA3350168.

ClinVar aggregate classification (germline): Benign/Likely benign. Review status: criteria provided, multiple submitters, no conflicts (2 of 4 stars). 8 submissions from 8 submitters: Benign (4); Likely benign (1). 3 of the submissions do not count toward it. Last evaluated 2026-02-04.

Conditions:
Obesity due to prohormone convertase I deficiency. Also called: OBESITY AND ENDOCRINOPATHY DUE TO IMPAIRED PROCESSING OF PROHORMONES. Identifiers: Orphanet 71528, MedGen C1833053, MONDO:0010961, OMIM 600955.

Allele frequency attached by ClinVar (database versions not stated): 1000 Genomes Project 0.34285; 1000 Genomes Project 30x 0.35103; ExAC 0.35277; gnomAD exomes 0.35794 and 0.36955; gnomAD 0.37537 and 0.38001; ESP Exome Variant Server 0.38844; TOPMed 0.39479.
gnomAD v4.1: 596,057 of 1,610,164 alleles (37%); highest among the groups gnomAD compares: Admixed American, 46%; 112,577 homozygotes.

Submissions (8):

Labcorp Genetics (formerly Invitae), Labcorp
Classification: Benign. Last evaluated: 2026-02-04. Review status: criteria provided, single submitter. Criteria: Invitae Variant Classification Sherloc (09022015). Collection method: clinical testing. Allele origin: germline.

Blueprint Genetics
Classification: Benign. Last evaluated: 2024-11-26. Review status: criteria provided, single submitter. Criteria: ACMG Guidelines, 2015. Collection method: clinical testing. Allele origin: germline.

Mayo Clinic Laboratories, Mayo Clinic
Classification: Benign. Last evaluated: 2022-09-06. Review status: criteria provided, single submitter. Criteria: ACMG Guidelines, 2015. Collection method: clinical testing. Allele origin: germline. Observed: 55 variant alleles.

Illumina Laboratory Services, Illumina
Classification: Benign for Obesity due to prohormone convertase I deficiency. Last evaluated: 2018-01-12. Review status: criteria provided, single submitter. Criteria: ICSL Variant Classification Criteria 13 December 2019. Collection method: clinical testing. Allele origin: germline.
Comment: This variant was observed in the ICSL laboratory as part of a predisposition screen in an ostensibly healthy population. It had not been previously curated by ICSL or reported in the Human Gene Mutation Database (HGMD: prior to June 1st, 2018), and was therefore a candidate for classification through an automated scoring system. Utilizing variant allele frequency, disease prevalence and penetrance estimates, and inheritance mode, an automated score was calculated to assess if this variant is too frequent to cause the disease. Based on the score and internal cut-off values, a variant classified as benign is not then subjected to further curation. The score for this variant resulted in a classification of benign for this disease.

Breakthrough Genomics
Classification: Likely benign. Review status: criteria provided, single submitter. Criteria: ACMG Guidelines, 2015. Collection method: not provided. Allele origin: germline. Inheritance: Autosomal recessive inheritance. Affected: yes.

Clinical Genetics, Academic Medical Center
Classification: Benign. Review status: no assertion criteria provided. Collection method: clinical testing. Allele origin: germline. Affected: yes. Study: VKGL Data-share Consensus. Not counted in ClinVar's aggregate classification.

Diagnostic Laboratory, Department of Genetics, University Medical Center Groningen
Classification: Benign. Review status: no assertion criteria provided. Collection method: clinical testing. Allele origin: germline. Affected: yes. Study: VKGL Data-share Consensus. Not counted in ClinVar's aggregate classification.

Genome Diagnostics Laboratory, University Medical Center Utrecht
Classification: Benign. Review status: no assertion criteria provided. Collection method: clinical testing. Allele origin: germline. Affected: yes. Study: VKGL Data-share Consensus. Not counted in ClinVar's aggregate classification.